The following is an entry in ClinVar:

NM_003128.3(SPTBN1):c.752T>G (p.Leu251Trp)

Gene: SPTBN1 (spectrin beta, non-erythrocytic 1; plus strand). Cytogenetic location: 2p16.2.
Variant type: single nucleotide variant.
Coding change: c.752T>G on transcript NM_003128.3 (MANE Select); coding-DNA position 752, T replaced by G.
Protein change: p.Leu251Trp; replaces leucine 251 with tryptophan.
Molecular consequence: missense variant.
Genome position (GRCh38, 1-based): chr2:54,618,182, T>G. VCF-style: chr2-54618182-T-G. GRCh37 (hg19) VCF-style: chr2-54845319-T-G.
Other names: c.713T>G, p.Leu238Trp (NM_178313.3); short protein forms L238W, L251W.
Identifiers: ClinVar variation 2630453 (VCV002630453.2), dbSNP rs2549506563, ClinGen allele CA346862899.

ClinVar aggregate classification (germline): Uncertain significance (1 of 4 stars; one submission).

Conditions:
SPTBN1-related disorder. Also called: SPTBN1-related condition.

Submission:

PreventionGenetics, part of Exact Sciences
Classification: Uncertain significance for SPTBN1-related condition. Last evaluated: 2025-09-17. Review status: criteria provided, single submitter. Criteria: ACMG Guidelines, 2015. Collection method: clinical testing. Allele origin: germline.
Comment: The SPTBN1 c.752T>G variant is predicted to result in the amino acid substitution p.Leu251Trp. To our knowledge, this variant has not been reported in the literature or in a large population database (gnomAD), indicating this variant is rare. At this time, the clinical significance of this variant is uncertain due to the absence of conclusive functional and genetic evidence.